The following is an entry in ClinVar:

NM_004360.5(CDH1):c.1550T>A (p.Met517Lys)

Gene: CDH1 (cadherin 1; plus strand). Cytogenetic location: 16q22.1.
Variant type: single nucleotide variant.
Coding change: c.1550T>A on transcript NM_004360.5 (MANE Select); coding-DNA position 1550, T replaced by A.
Protein change: p.Met517Lys; replaces methionine 517 with lysine.
Molecular consequence: missense variant. On other transcripts: initiator codon variant (1), 5 prime UTR variant (1).
Genome position (GRCh38, 1-based): chr16:68,815,744, T>A. VCF-style: chr16-68815744-T-A. GRCh37 (hg19) VCF-style: chr16-68849647-T-A.
Other names: c.1550T>A (LRG_301t1); c.1367T>A, p.Met456Lys (NM_001317184.2); c.2T>A, p.Met1Lys (NM_001317185.2); c.-270T>A (NM_001317186.2); c.2T>A (NM_001317185.1); short protein forms M517K, M1K, M456K.
Identifiers: ClinVar variation 187340 (VCV000187340.25), dbSNP rs786203656, ClinGen allele CA197392.

ClinVar aggregate classification (germline): Conflicting classifications of pathogenicity. Review status: criteria provided, conflicting classifications (1 of 4 stars). 6 submissions from 6 submitters: Uncertain significance (4); Likely benign (1). 1 of the submissions does not count toward it. Last evaluated 2026-07-07.

Conditions:
CDH1-related disorder. Also called: CDH1-related condition.
Hereditary cancer-predisposing syndrome. Also called: Neoplastic Syndromes, Hereditary; Hereditary Cancer Syndrome; Tumor predisposition; Hereditary neoplastic syndrome. Identifiers: Orphanet 140162, MedGen C0027672, MeSH D009386, MONDO:0015356.
Hereditary diffuse gastric adenocarcinoma (HDGC). Also called: DIFFUSE GASTRIC AND LOBULAR BREAST CANCER SYNDROME. Identifiers: Orphanet 26106, MedGen C1708349, MONDO:0007648, OMIM 137215.
Familial cancer of breast. Also called: Hereditary breast cancer; BREAST CANCER, FAMILIAL; hereditary breast carcinoma. Identifiers: Orphanet 227535, MedGen C0346153, MONDO:0016419, OMIM 114480. Disease mechanism: loss of function.

gnomAD v4.1: 1 of 1,614,286 alleles (0.000062%); highest among the groups gnomAD compares: Non-Finnish European, 0.000085%; no homozygotes.

Submissions (6):

Ambry Genetics
Classification: Likely benign for Hereditary cancer-predisposing syndrome. Last evaluated: 2026-07-07. Review status: criteria provided, single submitter. Criteria: Ambry Variant Classification Scheme 2023. Collection method: clinical testing. Allele origin: germline.

Labcorp Genetics (formerly Invitae), Labcorp
Classification: Uncertain significance for Hereditary diffuse gastric adenocarcinoma. Last evaluated: 2025-05-18. Review status: criteria provided, single submitter. Criteria: Invitae Variant Classification Sherloc (09022015). Collection method: clinical testing. Allele origin: germline.
Comment: This sequence change replaces methionine, which is neutral and non-polar, with lysine, which is basic and polar, at codon 517 of the CDH1 protein (p.Met517Lys). This variant is not present in population databases (gnomAD no frequency). This variant has not been reported in the literature in individuals affected with CDH1-related conditions. ClinVar contains an entry for this variant (Variation ID: 187340). An algorithm developed to predict the effect of missense changes on protein structure and function (PolyPhen-2) suggests that this variant is likely to be tolerated. In summary, the available evidence is currently insufficient to determine the role of this variant in disease. Therefore, it has been classified as a Variant of Uncertain Significance.

Color Diagnostics, LLC DBA Color Health
Classification: Uncertain significance for Hereditary cancer-predisposing syndrome. Last evaluated: 2023-12-05. Review status: criteria provided, single submitter. Criteria: ACMG Guidelines, 2015. Collection method: clinical testing. Allele origin: germline.
Comment: This missense variant replaces methionine with lysine at codon 517 of the CDH1 protein. To our knowledge, functional studies have not been reported for this variant. This variant has not been reported in individuals affected with CDH1-related disorders in the literature. This variant has not been identified in the general population by the Genome Aggregation Database (gnomAD). The available evidence is insufficient to determine the role of this variant in disease conclusively. Therefore, this variant is classified as a Variant of Uncertain Significance.

Baylor Genetics
Classification: Uncertain significance for Familial cancer of breast. Last evaluated: 2023-08-01. Review status: criteria provided, single submitter. Criteria: ACMG Guidelines, 2015. Collection method: clinical testing. Allele origin: unknown.

Sema4
Classification: Uncertain significance for Hereditary cancer-predisposing syndrome. Last evaluated: 2021-04-23. Review status: criteria provided, single submitter. Criteria: Sema4 Curation Guidelines. Collection method: curation. Allele origin: germline.
Comment: The CDH1 c.1550T>A (p.M517K) variant has not been reported in the literature to our knowledge. This variant is not reported in the large and broad populations by the Genome Aggregation Database (PMID: 32461654). The variant has been reported in ClinVar (Variation ID 187340). In silico tools suggest the impact of the variant on protein function is inconclusive, though these predictions have not been confirmed by functional studies. The overall evidence is insufficient to meet ACMG/AMP criteria for classifying it as benign or pathogenic. In summary, the clinical significance of this variant is currently uncertain.

PreventionGenetics, part of Exact Sciences
Classification: Uncertain significance for CDH1-related condition. Last evaluated: 2024-02-22. Review status: no assertion criteria provided. Collection method: clinical testing. Allele origin: germline. Not counted in ClinVar's aggregate classification.
Comment: The CDH1 c.2T>A variant is predicted to disrupt the translation initiation site (p.Met1?). This variant was reported in an individual with unknown phenotype (Lee et al 2023. PubMed ID: 36509094). This variant has not been reported in gnomAD, indicating this variant is rare. This variant is interpreted as uncertain in ClinVar. At this time, the clinical significance of this variant is uncertain due to the absence of conclusive functional and genetic evidence.